The following is an entry in ClinVar:

ClinVar aggregate classification (germline): Pathogenic (1 of 4 stars; one submission).

Allele frequency attached by ClinVar (database versions not stated): TOPMed below 0.00001; gnomAD 0.00001.
gnomAD v4.1: 4 of 1,611,580 alleles (0.00025%); highest among the groups gnomAD compares: South Asian, 0.0022%; no homozygotes.

Submission:

Labcorp Genetics (formerly Invitae), Labcorp
Classification: Pathogenic. Last evaluated: 2022-03-19. Review status: criteria provided, single submitter. Criteria: Invitae Variant Classification Sherloc (09022015). Collection method: clinical testing. Allele origin: germline.
Comment: For these reasons, this variant has been classified as Pathogenic. This variant has not been reported in the literature in individuals affected with MUT-related conditions. This variant is not present in population databases (gnomAD no frequency). This sequence change creates a premature translational stop signal (p.Lys570*) in the MUT gene. It is expected to result in an absent or disrupted protein product. Loss-of-function variants in MUT are known to be pathogenic (PMID: 15781192).

Literature cited by the submitters: PubMed 15781192.

NM_000255.4(MMUT):c.1708A>T (p.Lys570Ter)

Gene: MMUT (methylmalonyl-CoA mutase; minus strand). Cytogenetic location: 6p12.3.
Variant type: single nucleotide variant.
Coding change: c.1708A>T on transcript NM_000255.4 (MANE Select); coding-DNA position 1708, A replaced by T.
Protein change: p.Lys570Ter; replaces lysine 570 with a stop codon.
Molecular consequence: nonsense.
Genome position (GRCh38, 1-based): chr6:49,441,940, T>A on the plus strand (A>T on the coding strand, the complement: MMUT is on the minus strand). VCF-style: chr6-49441940-T-A. GRCh37 (hg19) VCF-style: chr6-49409653-T-A.
Other names: short protein forms K570*.
Identifiers: ClinVar variation 1940043 (VCV001940043.5), dbSNP rs1183076483, ClinGen allele CA364396053.